The following is an entry in ClinVar:

ClinVar aggregate classification (germline): Uncertain significance (1 of 4 stars; one submission).

Conditions:
Inborn genetic diseases. Identifiers: MedGen C0950123, MeSH D030342.

Submission:

Ambry Genetics
Classification: Uncertain significance for Inborn genetic diseases. Last evaluated: 2024-07-18. Review status: criteria provided, single submitter. Criteria: Ambry Variant Classification Scheme 2023. Collection method: clinical testing. Allele origin: germline.
Comment: The c.1190C>G (p.S397W) alteration is located in exon 1 (coding exon 1) of the IRF2BPL gene. This alteration results from a C to G substitution at nucleotide position 1190, causing the serine (S) at amino acid position 397 to be replaced by a tryptophan (W). This variant was not reported in population-based cohorts in the Genome Aggregation Database (gnomAD). This amino acid position is not well conserved in available vertebrate species. This alteration is predicted to be tolerated by in silico analysis. Based on insufficient or conflicting evidence, the clinical significance of this alteration remains unclear.

NM_024496.4(IRF2BPL):c.1190C>G (p.Ser397Trp)

Gene: IRF2BPL (interferon regulatory factor 2 binding protein like; minus strand). Cytogenetic location: 14q24.3.
Variant type: single nucleotide variant.
Coding change: c.1190C>G on transcript NM_024496.4 (MANE Select); coding-DNA position 1190, C replaced by G.
Protein change: p.Ser397Trp; replaces serine 397 with tryptophan.
Molecular consequence: missense variant.
Genome position (GRCh38, 1-based): chr14:77,026,603, G>C on the plus strand (C>G on the coding strand, the complement: IRF2BPL is on the minus strand). VCF-style: chr14-77026603-G-C. GRCh37 (hg19) VCF-style: chr14-77492946-G-C.
Other names: short protein forms S397W.
Identifiers: ClinVar variation 3286523 (VCV003286523.2).
Genomic context (GRCh38, chr14:77,026,603, plus strand): 5'-AATTCGTAGTCCATGCCGGGCTTGGAGACGGCGTCGAAGGCGAAAACGCGGCCCAGCAGC[G>C]AGTGGTCCTTCTTGAAGCGAACCTCGTAGGGCGTGCAGCCTGCCAGCGTGAGCAGCGTGT-3'
Protein context (NP_078772.1, residues 387-407): PYEVRFKKDH[Ser397Trp]LLGRVFAFDA